The following is an entry in ClinVar:

NM_015692.5(CPAMD8):c.2529T>C (p.Val843=)

Gene: CPAMD8 (C3 and PZP like alpha-2-macroglobulin domain containing 8; minus strand). Cytogenetic location: 19p13.11.
Variant type: single nucleotide variant.
Coding change: c.2529T>C on transcript NM_015692.5 (MANE Select); coding-DNA position 2529, T replaced by C.
Protein change: p.Val843=; no amino-acid change (valine 843 retained).
Molecular consequence: synonymous variant.
Genome position (GRCh38, 1-based): chr19:16,947,207, A>G on the plus strand (T>C on the coding strand, the complement: CPAMD8 is on the minus strand). VCF-style: chr19-16947207-A-G. GRCh37 (hg19) VCF-style: chr19-17058017-A-G.
Identifiers: ClinVar variation 732282 (VCV000732282.5), dbSNP rs534147242, ClinGen allele CA9285289.

ClinVar aggregate classification (germline): Likely benign. Review status: criteria provided, single submitter (1 of 4 stars). 2 submissions from 2 submitters: Likely benign (1). 1 of the submissions does not count toward it. Last evaluated 2018-07-27.

Conditions:
CPAMD8-related disorder. Also called: CPAMD8-related condition.

Allele frequency attached by ClinVar (database versions not stated): ExAC 0.00008; gnomAD exomes 0.00009 and 0.00023; gnomAD 0.00014 and 0.00016; TOPMed 0.00015.
gnomAD v4.1: 351 of 1,612,966 alleles (0.022%); highest among the groups gnomAD compares: Non-Finnish European, 0.028%; no homozygotes.

Submissions (2):

Labcorp Genetics (formerly Invitae), Labcorp
Classification: Likely benign. Last evaluated: 2018-07-27. Review status: criteria provided, single submitter. Criteria: Invitae Variant Classification Sherloc (09022015). Collection method: clinical testing. Allele origin: germline.

PreventionGenetics, part of Exact Sciences
Classification: Likely benign for CPAMD8-related condition. Last evaluated: 2019-08-12. Review status: no assertion criteria provided. Collection method: clinical testing. Allele origin: germline. Not counted in ClinVar's aggregate classification.
Comment: This variant is classified as likely benign based on ACMG/AMP sequence variant interpretation guidelines (Richards et al. 2015 PMID: 25741868, with internal and published modifications).